The following is an entry in ClinVar:

NM_000823.4(GHRHR):c.1241C>T (p.Ser414Leu)

Gene: GHRHR (growth hormone releasing hormone receptor; plus strand). Cytogenetic location: 7p14.3.
Variant type: single nucleotide variant.
Coding change: c.1241C>T on transcript NM_000823.4 (MANE Select); coding-DNA position 1241, C replaced by T.
Protein change: p.Ser414Leu; replaces serine 414 with leucine.
Molecular consequence: missense variant.
Genome position (GRCh38, 1-based): chr7:30,979,213, C>T. VCF-style: chr7-30979213-C-T. GRCh37 (hg19) VCF-style: chr7-31018828-C-T.
Other names: short protein forms S414L.
Identifiers: ClinVar variation 2084701 (VCV002084701.2), dbSNP rs146305421, ClinGen allele CA4208853.

ClinVar aggregate classification (germline): Uncertain significance. Review status: criteria provided, multiple submitters, no conflicts (2 of 4 stars). 2 submissions from 2 submitters: Uncertain significance (2). Last evaluated 2022-07-26.

Conditions:
Inborn genetic diseases. Identifiers: MedGen C0950123, MeSH D030342.

Allele frequency attached by ClinVar (database versions not stated): ExAC 0.00002; gnomAD 0.00005; TOPMed 0.00005; ESP Exome Variant Server 0.00015.

Submissions (2):

Labcorp Genetics (formerly Invitae), Labcorp
Classification: Uncertain significance. Last evaluated: 2022-07-26. Review status: criteria provided, single submitter. Criteria: Invitae Variant Classification Sherloc (09022015). Collection method: clinical testing. Allele origin: germline.
Comment: This sequence change replaces serine, which is neutral and polar, with leucine, which is neutral and non-polar, at codon 414 of the GHRHR protein (p.Ser414Leu). This variant is present in population databases (rs146305421, gnomAD 0.01%). This variant has not been reported in the literature in individuals affected with GHRHR-related conditions. Algorithms developed to predict the effect of missense changes on protein structure and function are either unavailable or do not agree on the potential impact of this missense change (SIFT: "Deleterious"; PolyPhen-2: "Benign"; Align-GVGD: "Class C65"). In summary, the available evidence is currently insufficient to determine the role of this variant in disease. Therefore, it has been classified as a Variant of Uncertain Significance.

Ambry Genetics
Classification: Uncertain significance for Inborn genetic diseases. Last evaluated: 2022-01-05. Review status: criteria provided, single submitter. Criteria: Ambry Variant Classification Scheme 2023. Collection method: clinical testing. Allele origin: germline.